The following is an entry in ClinVar:

ClinVar aggregate classification (germline): Uncertain significance. Review status: criteria provided, multiple submitters, no conflicts (2 of 4 stars). 5 submissions from 5 submitters: Uncertain significance (5). Last evaluated 2025-10-11.

Conditions:
Cardiovascular phenotype. Identifiers: MedGen CN230736.
Hypertrophic cardiomyopathy 11. Also called: ACTC1-Related Familial Hypertrophic Cardiomyopathy. Identifiers: MedGen C2677506, MONDO:0012799, OMIM 612098.
Dilated cardiomyopathy 1R (CMD1R). Identifiers: Orphanet 154, Orphanet 54260, MedGen C3150681, MONDO:0013261, OMIM 613424.
Atrial septal defect 5 (ASD5). Identifiers: Orphanet 1478, MedGen C2748552, MONDO:0013011, OMIM 612794.
Cardiomyopathy (CMYO). Also called: Cardiomyopathies. Identifiers: Orphanet 167848, MedGen C0878544, MONDO:0004994, HP:0001638. Inheritance: Various modes of inheritance.

Submissions (5):

Labcorp Genetics (formerly Invitae), Labcorp
Classification: Uncertain significance for Dilated cardiomyopathy 1R; Hypertrophic cardiomyopathy 11; Atrial septal defect 5. Last evaluated: 2025-10-11. Review status: criteria provided, single submitter. Criteria: Invitae Variant Classification Sherloc (09022015). Collection method: clinical testing. Allele origin: germline.
Comment: This sequence change replaces isoleucine, which is neutral and non-polar, with threonine, which is neutral and polar, at codon 167 of the ACTC1 protein (p.Ile167Thr). This variant is not present in population databases (gnomAD no frequency). This variant has not been reported in the literature in individuals affected with ACTC1-related conditions. ClinVar contains an entry for this variant (Variation ID: 180776). Invitae Evidence Modeling of protein sequence and biophysical properties (such as structural, functional, and spatial information, amino acid conservation, physicochemical variation, residue mobility, and thermodynamic stability) indicates that this missense variant is not expected to disrupt ACTC1 protein function with a negative predictive value of 80%. In summary, the available evidence is currently insufficient to determine the role of this variant in disease. Therefore, it has been classified as a Variant of Uncertain Significance.

Ambry Genetics
Classification: Uncertain significance for Cardiovascular phenotype. Last evaluated: 2023-08-10. Review status: criteria provided, single submitter. Criteria: Ambry Variant Classification Scheme 2023. Collection method: clinical testing. Allele origin: germline.
Comment: The p.I167T variant (also known as c.500T>C), located in coding exon 3 of the ACTC1 gene, results from a T to C substitution at nucleotide position 500. The isoleucine at codon 167 is replaced by threonine, an amino acid with similar properties. This amino acid position is highly conserved in available vertebrate species. In addition, this alteration is predicted to be deleterious by in silico analysis. Since supporting evidence is limited at this time, the clinical significance of this alteration remains unclear.

GeneDx
Classification: Uncertain significance. Last evaluated: 2023-04-27. Review status: criteria provided, single submitter. Criteria: GeneDx Variant Classification Process June 2021. Collection method: clinical testing. Allele origin: germline. Affected: yes.
Comment: Has not been previously published as pathogenic or benign in association with a ACTC1-related disorder to our knowledge; Not observed at significant frequency in large population cohorts (gnomAD); In silico analysis supports that this missense variant has a deleterious effect on protein structure/function; This variant is associated with the following publications: (PMID: 30681346)

CHEO Genetics Diagnostic Laboratory, Children's Hospital of Eastern Ontario
Classification: Uncertain significance for Cardiomyopathy. Last evaluated: 2022-03-08. Review status: criteria provided, single submitter. Criteria: ACMG Guidelines, 2015. Collection method: clinical testing. Allele origin: germline.

Stanford Center for Inherited Cardiovascular Disease, Stanford University
Classification: Uncertain significance. Last evaluated: 2013-07-24. Review status: criteria provided, single submitter. Criteria: ACMG Guidelines, 2015. Collection method: provider interpretation. Allele origin: germline.

NM_005159.5(ACTC1):c.500T>C (p.Ile167Thr)

Genes: ACTC1 (actin alpha cardiac muscle 1; minus strand), GJD2-DT (GJD2 divergent transcript; plus strand). Cytogenetic location: 15q14.
Variant type: single nucleotide variant.
Coding change: c.500T>C on transcript NM_005159.5 (MANE Select); coding-DNA position 500, T replaced by C.
Protein change: p.Ile167Thr; replaces isoleucine 167 with threonine.
Molecular consequence: missense variant.
Genome position (GRCh38, 1-based): chr15:34,792,524, A>G on the plus strand (T>C on the coding strand, the complement: ACTC1 is on the minus strand). VCF-style: chr15-34792524-A-G. GRCh37 (hg19) VCF-style: chr15-35084725-A-G.
Other names: p.I167T:ATC>ACC; c.500T>C (LRG_388t1); short protein forms I167T.
Identifiers: ClinVar variation 180776 (VCV000180776.18), dbSNP rs730880409, ClinGen allele CA019798.
Genomic context (GRCh38, chr15:34,792,524, plus strand): 5'-AGGTCCCGACCAGCCAGATCCAGACGCATGATGGCATGGGGCAAAGCGTAGCCCTCATAG[A>G]TGGGGACATTGTGAGTTACACCATCCCCAGAGTCCAGAACAATGCCTGCCCGGGGAAGTA-3'
Protein context (NP_005150.1, residues 157-177): SGDGVTHNVP[Ile167Thr]YEGYALPHAI